The following is an entry in ClinVar:

ClinVar aggregate classification (germline): Benign. Review status: criteria provided, multiple submitters, no conflicts (2 of 4 stars). 4 submissions from 4 submitters: Benign (4). Last evaluated 2024-07-15.

Conditions:
Autosomal recessive Alport syndrome (ATS2). Also called: COL4A3-Related Nephropathy; COL4A4 Alport Syndrome and Thin Basement Membrane Nephropathy; ALPORT SYNDROME 2, AUTOSOMAL RECESSIVE; Alport syndrome type 2. Identifiers: Orphanet 63, Orphanet 88919, MedGen C4746745, MONDO:0008762, OMIM 203780.

Allele frequency attached by ClinVar (database versions not stated): ESP Exome Variant Server 0.41127; gnomAD 0.42307 and 0.42773; TOPMed 0.42407; gnomAD exomes 0.43443 and 0.46018; 1000 Genomes Project 30x 0.44488; 1000 Genomes Project 0.44848; ExAC 0.45496.
gnomAD v4.1: 699,033 of 1,611,764 alleles (43%); highest among the groups gnomAD compares: South Asian, 56%; 153,701 homozygotes.

Submissions (4):

Unidad de Genómica Garrahan, Hospital de Pediatría Garrahan
Classification: Benign. Last evaluated: 2024-07-15. Review status: criteria provided, single submitter. Criteria: ACMG Guidelines, 2015. Collection method: clinical testing. Allele origin: germline. Affected: no. Observed: 65 variant alleles.
Comment: This variant is classified as Benign based on local population frequency. This variant was detected in 70% of patients studied in a panel designed for Epileptic and Developmental Encephalopathy and Progressive Myoclonus Epilepsy. Number of patients: 65. Only high quality variants are reported.

Genome-Nilou Lab
Classification: Benign for Autosomal recessive Alport syndrome. Last evaluated: 2021-07-10. Review status: criteria provided, single submitter. Criteria: ACMG Guidelines, 2015. Collection method: clinical testing. Allele origin: germline. Affected: no.

GeneDx
Classification: Benign. Last evaluated: 2018-06-22. Review status: criteria provided, single submitter. Criteria: GeneDx Variant Classification Process June 2021. Collection method: clinical testing. Allele origin: germline. Affected: yes.

Breakthrough Genomics
Classification: Benign. Review status: criteria provided, single submitter. Criteria: ACMG Guidelines, 2015. Collection method: not provided. Allele origin: germline. Inheritance: Autosomal recessive inheritance. Affected: yes.

NM_000092.5(COL4A4):c.4091-36G>A

Gene: COL4A4 (collagen type IV alpha 4 chain; minus strand). Cytogenetic location: 2q36.3.
Variant type: single nucleotide variant.
Coding change: c.4091-36G>A on transcript NM_000092.5 (MANE Select); 36 bases into the intron before coding-DNA position 4091, G replaced by A.
Molecular consequence: intron variant.
Genome position (GRCh38, 1-based): chr2:227,022,209, C>T on the plus strand (G>A on the coding strand, the complement: COL4A4 is on the minus strand). VCF-style: chr2-227022209-C-T. GRCh37 (hg19) VCF-style: chr2-227886925-C-T.
Identifiers: ClinVar variation 1184793 (VCV001184793.7), dbSNP rs3752896, ClinGen allele CA2144285.